The following is an entry in ClinVar:

ClinVar aggregate classification (germline): Uncertain significance. Review status: criteria provided, multiple submitters, no conflicts (2 of 4 stars). 3 submissions from 3 submitters: Uncertain significance (3). Last evaluated 2025-01-17.

Conditions:
Acute myeloid leukemia (AML). Also called: Acute myeloid leukemia, adult; AML adult; Acute non-lymphocytic leukemia; Acute granulocytic leukemia; Leukemia, acute myeloid, somatic; Leukemia, acute myelogenous, somatic. Identifiers: Orphanet 519, MedGen C0023467, MeSH D015470, MONDO:0018874, OMIM 601626, HP:0004808. Disease mechanism: Constitutively activated FLT3.
Inborn genetic diseases. Identifiers: MedGen C0950123, MeSH D030342.

Allele frequency attached by ClinVar (database versions not stated): gnomAD 0.00002; TOPMed 0.00002.
gnomAD v4.1: 43 of 1,323,908 alleles (0.0032%); highest among the groups gnomAD compares: Non-Finnish European, 0.004%; no homozygotes.

Submissions (3):

Ambry Genetics
Classification: Uncertain significance for Inborn genetic diseases. Last evaluated: 2025-01-17. Review status: criteria provided, single submitter. Criteria: Ambry Variant Classification Scheme 2023. Collection method: clinical testing. Allele origin: germline.
Comment: The p.P184R variant (also known as c.551C>G), located in coding exon 1 of the CEBPA gene, results from a C to G substitution at nucleotide position 551. The proline at codon 184 is replaced by arginine, an amino acid with dissimilar properties. This amino acid position is conserved. In addition, this alteration is predicted to be tolerated by in silico analysis. Based on the available evidence, the clinical significance of this variant remains unclear.

GeneDx
Classification: Uncertain significance. Last evaluated: 2023-12-22. Review status: criteria provided, single submitter. Criteria: GeneDx Variant Classification Process June 2021. Collection method: clinical testing. Allele origin: germline. Affected: yes.
Comment: Not observed at significant frequency in large population cohorts (gnomAD); In silico analysis supports that this missense variant does not alter protein structure/function; Has not been previously published as pathogenic or benign to our knowledge; This variant is associated with the following publications: (PMID: 16735515, 21455213)

Labcorp Genetics (formerly Invitae), Labcorp
Classification: Uncertain significance for Acute myeloid leukemia. Last evaluated: 2023-11-01. Review status: criteria provided, single submitter. Criteria: Invitae Variant Classification Sherloc (09022015). Collection method: clinical testing. Allele origin: germline.
Comment: This sequence change replaces proline, which is neutral and non-polar, with arginine, which is basic and polar, at codon 184 of the CEBPA protein (p.Pro184Arg). This variant is not present in population databases (gnomAD no frequency). This variant has not been reported in the literature in individuals affected with CEBPA-related conditions. ClinVar contains an entry for this variant (Variation ID: 649463). An algorithm developed to predict the effect of missense changes on protein structure and function (PolyPhen-2) suggests that this variant is likely to be tolerated. In summary, the available evidence is currently insufficient to determine the role of this variant in disease. Therefore, it has been classified as a Variant of Uncertain Significance.

NM_004364.5(CEBPA):c.551C>G (p.Pro184Arg)

Gene: CEBPA (CCAAT enhancer binding protein alpha; minus strand). Cytogenetic location: 19q13.11.
Variant type: single nucleotide variant.
Coding change: c.551C>G on transcript NM_004364.5 (MANE Select); coding-DNA position 551, C replaced by G.
Protein change: p.Pro184Arg; replaces proline 184 with arginine.
Molecular consequence: missense variant.
Genome position (GRCh38, 1-based): chr19:33,301,864, G>C on the plus strand (C>G on the coding strand, the complement: CEBPA is on the minus strand). VCF-style: chr19-33301864-G-C. GRCh37 (hg19) VCF-style: chr19-33792770-G-C.
Other names: c.194C>G, p.Pro65Arg (NM_001285829.2); c.656C>G, p.Pro219Arg (NM_001287424.2); c.509C>G, p.Pro170Arg (NM_001287435.2); c.551C>G (NM_004364.3); short protein forms P184R, P170R, P219R, P65R.
Identifiers: ClinVar variation 649463 (VCV000649463.13), dbSNP rs1457318927, ClinGen allele CA405274709.